The following is an entry in ClinVar:

ClinVar aggregate classification (germline): Conflicting classifications of pathogenicity. Review status: criteria provided, conflicting classifications (1 of 4 stars). 5 submissions from 3 submitters: Uncertain significance (4); Likely benign (1). Last evaluated 2026-09-01.

Conditions:
Chronic infantile neurological, cutaneous and articular syndrome (CINCA). Also called: CRYOPYRIN-ASSOCIATED PERIODIC SYNDROME 3; CHRONIC NEUROLOGIC CUTANEOUS AND ARTICULAR SYNDROME; CINCA syndrome; Prieur Griscelli syndrome. Identifiers: Orphanet 1451, MedGen C0409818, MONDO:0011776, OMIM 607115.
Familial cold autoinflammatory syndrome 1 (FCAS1). Also called: CRYOPYRIN-ASSOCIATED PERIODIC SYNDROME 1; Familial cold inflammatory syndrome 1. Identifiers: Orphanet 47045, MedGen C4551895, MONDO:0007349, OMIM 120100.
Familial amyloid nephropathy with urticaria AND deafness (MWS). Also called: CRYOPYRIN-ASSOCIATED PERIODIC SYNDROME 2; UDA SYNDROME; URTICARIA-DEAFNESS-AMYLOIDOSIS SYNDROME; MUCKLE-WELLS SYNDROME; Urticaria, deafness and amyloidosis. Identifiers: Orphanet 575, MedGen C0268390, MONDO:0008633, OMIM 191900.
Cryopyrin associated periodic syndrome (CAPS). Identifiers: Orphanet 208650, MedGen C2316212, MONDO:0016168.

Allele frequency attached by ClinVar (database versions not stated): gnomAD exomes below 0.00001 and 0.00001; TOPMed below 0.00001; ExAC 0.00001; ESP Exome Variant Server 0.00008.
gnomAD v4.1: 9 of 1,613,888 alleles (0.00056%); highest among the groups gnomAD compares: East Asian, 0.0022%; no homozygotes.

Submissions (5):

CeGaT Center for Human Genetics Tuebingen
Classification: Likely benign. Last evaluated: 2026-09-01. Review status: criteria provided, single submitter. Criteria: CeGaT Center For Human Genetics Tuebingen Variant Classification Criteria Version 2. Collection method: clinical testing. Allele origin: germline. Affected: yes. Observed: 1 variant allele.
Comment: NLRP3: BS2

Labcorp Genetics (formerly Invitae), Labcorp
Classification: Uncertain significance for Cryopyrin associated periodic syndrome. Last evaluated: 2025-03-18. Review status: criteria provided, single submitter. Criteria: Invitae Variant Classification Sherloc (09022015). Collection method: clinical testing. Allele origin: germline.
Comment: This sequence change replaces glycine, which is neutral and non-polar, with serine, which is neutral and polar, at codon 191 of the NLRP3 protein (p.Gly191Ser). This variant is present in population databases (rs201877163, gnomAD 0.0009%). This variant has not been reported in the literature in individuals affected with NLRP3-related conditions. ClinVar contains an entry for this variant (Variation ID: 873944). Invitae Evidence Modeling of protein sequence and biophysical properties (such as structural, functional, and spatial information, amino acid conservation, physicochemical variation, residue mobility, and thermodynamic stability) has been performed for this missense variant. However, the output from this modeling did not meet the statistical confidence thresholds required to predict the impact of this variant on NLRP3 protein function. In summary, the available evidence is currently insufficient to determine the role of this variant in disease. Therefore, it has been classified as a Variant of Uncertain Significance.

Illumina Laboratory Services, Illumina
Classification: Uncertain significance for Chronic infantile neurological, cutaneous and articular syndrome. Last evaluated: 2018-01-12. Review status: criteria provided, single submitter. Criteria: ICSL Variant Classification Criteria 13 December 2019. Collection method: clinical testing. Allele origin: germline.

Illumina Laboratory Services, Illumina
Classification: Uncertain significance for Familial amyloid nephropathy with urticaria AND deafness. Last evaluated: 2018-01-12. Review status: criteria provided, single submitter. Criteria: ICSL Variant Classification Criteria 13 December 2019. Collection method: clinical testing. Allele origin: germline.

Illumina Laboratory Services, Illumina
Classification: Uncertain significance for Familial cold autoinflammatory syndrome 1. Last evaluated: 2018-01-12. Review status: criteria provided, single submitter. Criteria: ICSL Variant Classification Criteria 13 December 2019. Collection method: clinical testing. Allele origin: germline.

NM_001243133.2(NLRP3):c.565G>A (p.Gly189Ser)

Gene: NLRP3 (NLR family pyrin domain containing 3; plus strand). Cytogenetic location: 1q44.
Variant type: single nucleotide variant.
Coding change: c.565G>A on transcript NM_001243133.2 (MANE Select); coding-DNA position 565, G replaced by A.
Protein change: p.Gly189Ser; replaces glycine 189 with serine.
Molecular consequence: missense variant.
Genome position (GRCh38, 1-based): chr1:247,424,014, G>A. VCF-style: chr1-247424014-G-A. GRCh37 (hg19) VCF-style: chr1-247587316-G-A.
Other names: c.565G>A, p.Gly189Ser (NM_001079821.3, NM_001127461.3, NM_001127462.3 and 1 more transcripts); c.571G>A, p.Gly191Ser (NM_004895.5); short protein forms G189S, G191S.
Identifiers: ClinVar variation 873944 (VCV000873944.12), dbSNP rs201877163, ClinGen allele CA1494896.